The following is an entry in ClinVar:

NM_002692.4(POLE2):c.544A>C (p.Ile182Leu)

Gene: POLE2 (DNA polymerase epsilon 2, accessory subunit; minus strand). Cytogenetic location: 14q21.3.
Variant type: single nucleotide variant.
Coding change: c.544A>C on transcript NM_002692.4 (MANE Select); coding-DNA position 544, A replaced by C.
Protein change: p.Ile182Leu; replaces isoleucine 182 with leucine.
Molecular consequence: missense variant.
Genome position (GRCh38, 1-based): chr14:49,666,362, T>G on the plus strand (A>C on the coding strand, the complement: POLE2 is on the minus strand). VCF-style: chr14-49666362-T-G. GRCh37 (hg19) VCF-style: chr14-50133080-T-G.
Other names: c.466A>C, p.Ile156Leu (NM_001197330.2); c.544A>C, p.Ile182Leu (NM_001197331.3, NM_001348384.2); c.313A>C, p.Ile105Leu (NM_001348385.2); short protein forms I156L, I182L, I105L.
Identifiers: ClinVar variation 3650275 (VCV003650275.2).

ClinVar aggregate classification (germline): Uncertain significance (1 of 4 stars; one submission).

Submission:

Labcorp Genetics (formerly Invitae), Labcorp
Classification: Uncertain significance. Last evaluated: 2024-04-25. Review status: criteria provided, single submitter. Criteria: Invitae Variant Classification Sherloc (09022015). Collection method: clinical testing. Allele origin: germline.
Comment: This sequence change replaces isoleucine, which is neutral and non-polar, with leucine, which is neutral and non-polar, at codon 182 of the POLE2 protein (p.Ile182Leu). This variant is not present in population databases (gnomAD no frequency). This variant has not been reported in the literature in individuals affected with POLE2-related conditions. An algorithm developed to predict the effect of missense changes on protein structure and function (PolyPhen-2) suggests that this variant is likely to be tolerated. In summary, the available evidence is currently insufficient to determine the role of this variant in disease. Therefore, it has been classified as a Variant of Uncertain Significance.